The following is an entry in ClinVar:

ClinVar aggregate classification (germline): Uncertain significance (1 of 4 stars; one submission).

Conditions:
Mucopolysaccharidosis, MPS-IV-B (MPS4B). Also called: MORQUIO SYNDROME B; Mucopolysaccharidosis Type IVB (Morquio B Disease); Mucopolysaccharidosis type 4B; Mucopolysaccharidosis type IVB (Morquio); MPS IVB; Mucopolysaccharidosis type IV B. Identifiers: Orphanet 309310, Orphanet 582, MedGen C0086652, MONDO:0009660, OMIM 253010.
GM1 gangliosidosis. Identifiers: Orphanet 354, MedGen C0085131, MONDO:0018149.

Allele frequency attached by ClinVar (database versions not stated): gnomAD exomes below 0.00001; TOPMed below 0.00001.
gnomAD v4.1: 12 of 1,614,056 alleles (0.00074%); highest among the groups gnomAD compares: Non-Finnish European, 0.001%; no homozygotes.

Submission:

Labcorp Genetics (formerly Invitae), Labcorp
Classification: Uncertain significance for Mucopolysaccharidosis, MPS-IV-B; GM1 gangliosidosis. Last evaluated: 2025-06-24. Review status: criteria provided, single submitter. Criteria: Invitae Variant Classification Sherloc (09022015). Collection method: clinical testing. Allele origin: germline.
Comment: This sequence change replaces valine, which is neutral and non-polar, with isoleucine, which is neutral and non-polar, at codon 454 of the GLB1 protein (p.Val454Ile). This variant is present in population databases (no rsID available, gnomAD 0.0009%). This variant has not been reported in the literature in individuals affected with GLB1-related conditions. ClinVar contains an entry for this variant (Variation ID: 1390459). Invitae Evidence Modeling of protein sequence and biophysical properties (such as structural, functional, and spatial information, amino acid conservation, physicochemical variation, residue mobility, and thermodynamic stability) indicates that this missense variant is not expected to disrupt GLB1 protein function with a negative predictive value of 95%. In summary, the available evidence is currently insufficient to determine the role of this variant in disease. Therefore, it has been classified as a Variant of Uncertain Significance.

NM_000404.4(GLB1):c.1360G>A (p.Val454Ile)

Gene: GLB1 (galactosidase beta 1; minus strand). Cytogenetic location: 3p22.3.
Variant type: single nucleotide variant.
Coding change: c.1360G>A on transcript NM_000404.4 (MANE Select); coding-DNA position 1360, G replaced by A.
Protein change: p.Val454Ile; replaces valine 454 with isoleucine.
Molecular consequence: missense variant.
Genome position (GRCh38, 1-based): chr3:33,016,828, C>T on the plus strand (G>A on the coding strand, the complement: GLB1 is on the minus strand). VCF-style: chr3-33016828-C-T. GRCh37 (hg19) VCF-style: chr3-33058320-C-T.
Other names: c.1270G>A, p.Val424Ile (NM_001079811.3); c.967G>A, p.Val323Ile (NM_001135602.3); c.1504G>A, p.Val502Ile (NM_001317040.2); c.1360G>A, p.Val454Ile (NM_001393580.1); short protein forms V323I, V502I, V424I, V454I.
Identifiers: ClinVar variation 1390459 (VCV001390459.4), dbSNP rs1398424263, ClinGen allele CA351989942.
Genomic context (GRCh38, chr3:33,016,828, plus strand): 5'-CCAGAGTGGCTCCAGCTTTCCCTGTTATGTTCAGAGTGATCACATTGTTTCGCTCAAGGA[C>T]TCCCTGGGGGATCTGTGGGGTTCAAGACCAAATGACAATTGAATTGAGGGTAAGAAGGTC-3'
Protein context (NP_000395.3, residues 444-464): YVAVDGIPQG[Val454Ile]LERNNVITLN